The following is an entry in ClinVar:

NM_016034.5(MRPS2):c.413G>A (p.Arg138His)

Genes: MRPS2 (mitochondrial ribosomal protein S2; plus strand), LOC101928525 (uncharacterized LOC101928525; minus strand). Cytogenetic location: 9q34.3.
Variant type: single nucleotide variant.
Coding change: c.413G>A on transcript NM_016034.5 (MANE Select); coding-DNA position 413, G replaced by A.
Protein change: p.Arg138His; replaces arginine 138 with histidine.
Molecular consequence: missense variant. On other transcripts: non-coding transcript variant (5).
Genome position (GRCh38, 1-based): chr9:135,503,655, G>A. VCF-style: chr9-135503655-G-A. GRCh37 (hg19) VCF-style: chr9-138395501-G-A.
Other names: c.413G>A, p.Arg138His (NM_001371401.1); c.413G>A (NM_016034.4); short protein forms R138H.
Identifiers: ClinVar variation 523225 (VCV000523225.5), dbSNP rs758539748, ClinGen allele CA5323934.

ClinVar aggregate classification (germline): Conflicting classifications of pathogenicity. Review status: criteria provided, conflicting classifications (1 of 4 stars). 4 submissions from 4 submitters: Pathogenic (1); Likely pathogenic (1); Uncertain significance (1). 1 of the submissions does not count toward it. Last evaluated 2020-03-19.

Conditions:
Combined oxidative phosphorylation deficiency 36 (COXPD36). Identifiers: MedGen C4693722, MONDO:0054781, OMIM 617950.

Allele frequency attached by ClinVar (database versions not stated): TOPMed 0.00001; gnomAD 0.00003; ExAC 0.00005; gnomAD exomes 0.00005.
gnomAD v4.1: 48 of 1,613,852 alleles (0.003%); highest among the groups gnomAD compares: South Asian, 0.033%; no homozygotes.

Submissions (4):

Revvity Omics, Revvity
Classification: Uncertain significance for Combined oxidative phosphorylation deficiency 36. Last evaluated: 2020-03-19. Review status: criteria provided, single submitter. Criteria: ACMG Guidelines, 2015. Collection method: clinical testing. Allele origin: germline.

SIB Swiss Institute of Bioinformatics
Classification: Pathogenic for Combined oxidative phosphorylation deficiency 36. Last evaluated: 2018-10-15. Review status: criteria provided, single submitter. Criteria: ACMG Guidelines, 2015. Collection method: curation. Allele origin: germline.
Comment: This variant is interpreted as Pathogenic, for Combined oxidative phosphorylation deficiency 36, autosomal recessive. The following ACMG Tag(s) were applied: PM2 => Absent from controls (or at extremely low frequency if recessive) in Exome Sequencing Project, 1000 Genomes Project, or Exome Aggregation Consortium. PP3 => Multiple lines of computational evidence support a deleterious effect on the gene or gene product. PS3-Very Strong => PS3 upgraded in strength to Very Strong (PubMed 29576219).

Kasturba Medical College, Manipal, Kasturba Medical College, Manipal, Manipal Academy of Higher Education, Manipal, India
Classification: Likely pathogenic for Combined oxidative phosphorylation deficiency 36. Review status: criteria provided, single submitter. Criteria: ACMG Guidelines, 2015. Collection method: clinical testing. Allele origin: biparental. Affected: yes.

OMIM
Classification: Pathogenic for COMBINED OXIDATIVE PHOSPHORYLATION DEFICIENCY 36. Last evaluated: 2018-05-03. Review status: no assertion criteria provided. Collection method: literature only. Allele origin: germline. Not counted in ClinVar's aggregate classification.

Literature cited by the submitters: PubMed 29576219 (cited by SIB Swiss Institute of Bioinformatics and OMIM).